The following is an entry in ClinVar:

NM_001122769.3(LCA5):c.736C>G (p.Leu246Val)

Gene: LCA5 (lebercilin LCA5; minus strand). Cytogenetic location: 6q14.1.
Variant type: single nucleotide variant.
Coding change: c.736C>G on transcript NM_001122769.3 (MANE Select); coding-DNA position 736, C replaced by G.
Protein change: p.Leu246Val; replaces leucine 246 with valine.
Molecular consequence: missense variant.
Genome position (GRCh38, 1-based): chr6:79,493,735, G>C on the plus strand (C>G on the coding strand, the complement: LCA5 is on the minus strand). VCF-style: chr6-79493735-G-C. GRCh37 (hg19) VCF-style: chr6-80203452-G-C.
Other names: c.736C>G, p.Leu246Val (NM_181714.4); c.736C>G (NM_181714.3); short protein forms L246V.
Identifiers: ClinVar variation 2157815 (VCV002157815.2), dbSNP rs377582275, ClinGen allele CA3901034.

ClinVar aggregate classification (germline): Uncertain significance. Review status: criteria provided, multiple submitters, no conflicts (2 of 4 stars). 2 submissions from 2 submitters: Uncertain significance (2). Last evaluated 2025-06-17.

Conditions:
Inborn genetic diseases. Identifiers: MedGen C0950123, MeSH D030342.

Allele frequency attached by ClinVar (database versions not stated): gnomAD exomes below 0.00001; ExAC 0.00003; gnomAD 0.00005; TOPMed 0.00007; ESP Exome Variant Server 0.00015.
gnomAD v4.1: 14 of 1,612,830 alleles (0.00087%); highest among the groups gnomAD compares: African/African-American, 0.015%; no homozygotes.

Submissions (2):

Ambry Genetics
Classification: Uncertain significance for Inborn genetic diseases. Last evaluated: 2025-06-17. Review status: criteria provided, single submitter. Criteria: Ambry Variant Classification Scheme 2023. Collection method: clinical testing. Allele origin: germline.

Labcorp Genetics (formerly Invitae), Labcorp
Classification: Uncertain significance. Last evaluated: 2022-05-07. Review status: criteria provided, single submitter. Criteria: Invitae Variant Classification Sherloc (09022015). Collection method: clinical testing. Allele origin: germline.
Comment: This sequence change replaces leucine, which is neutral and non-polar, with valine, which is neutral and non-polar, at codon 246 of the LCA5 protein (p.Leu246Val). This variant is present in population databases (rs377582275, gnomAD 0.02%). This variant has not been reported in the literature in individuals affected with LCA5-related conditions. Algorithms developed to predict the effect of missense changes on protein structure and function are either unavailable or do not agree on the potential impact of this missense change (SIFT: "Tolerated"; PolyPhen-2: "Probably Damaging"; Align-GVGD: "Class C0"). In summary, the available evidence is currently insufficient to determine the role of this variant in disease. Therefore, it has been classified as a Variant of Uncertain Significance.